The following is an entry in ClinVar:

NM_015915.5(ATL1):c.1076C>G (p.Ala359Gly)

Gene: ATL1 (atlastin GTPase 1; plus strand). Cytogenetic location: 14q22.1.
Variant type: single nucleotide variant.
Coding change: c.1076C>G on transcript NM_015915.5 (MANE Select); coding-DNA position 1076, C replaced by G.
Protein change: p.Ala359Gly; replaces alanine 359 with glycine.
Molecular consequence: missense variant.
Genome position (GRCh38, 1-based): chr14:50,623,205, C>G. VCF-style: chr14-50623205-C-G. GRCh37 (hg19) VCF-style: chr14-51089923-C-G.
Other names: c.1076C>G, p.Ala359Gly (NM_001127713.1, NM_181598.4); short protein forms A359G.
Identifiers: ClinVar variation 4994465 (VCV004994465.1).

ClinVar aggregate classification (germline): Uncertain significance (1 of 4 stars; one submission).

Conditions:
ATL1-related disorder. Also called: ATL1-related condition.

Submission:

PreventionGenetics, part of Exact Sciences
Classification: Uncertain significance for ATL1-related condition. Last evaluated: 2026-03-02. Review status: criteria provided, single submitter. Criteria: ACMG Guidelines, 2015. Collection method: clinical testing. Allele origin: germline.
Comment: The ATL1 c.1076C>G variant is predicted to result in the amino acid substitution p.Ala359Gly. To our knowledge, this variant has not been reported in the literature or in a large population database (gnomAD), indicating this variant is rare. At this time, the clinical significance of this variant is uncertain due to the absence of conclusive functional and genetic evidence.